The following is an entry in ClinVar:

ClinVar aggregate classification (germline): Likely pathogenic (1 of 4 stars; one submission).

Conditions:
Congenital multicore myopathy with external ophthalmoplegia (CMYO1B). Also called: Congenital myopathy 1B, autosomal recessive; Minicore myopathy; Minicore myopathy with external ophthalmoplegia; MULTIMINICORE DISEASE WITH EXTERNAL OPHTHALMOPLEGIA; MULTICORE MYOPATHY. Identifiers: Orphanet 598, Orphanet 98905, MedGen C1850674, MONDO:0009712, OMIM 255320, HP:0003789.

Submission:

Neuberg Centre For Genomic Medicine, NCGM
Classification: Likely pathogenic for Congenital multicore myopathy with external ophthalmoplegia. Last evaluated: 2023-05-20. Review status: criteria provided, single submitter. Criteria: ACMG Guidelines, 2015. Collection method: clinical testing. Allele origin: germline. Inheritance: Autosomal recessive inheritance. Affected: yes.
Comment: The stop gained c.2065G>T(p.Glu689Ter) variant in RYR1 gene has not been reported previously as a pathogenic variant nor as a benign variant, to our knowledge. The observed variant is absent in gnomAD exomes database. This variant has not been submitted to the ClinVar database. The nucleotide change c.2065G>T in RYR1 is predicted as conserved by GERP++ and PhyloP across 100 vertebrates. Computational evidence (MutationTaster - disease causing) predict a damaging effect on protein structure and function for this variant. This variant is predicted to cause loss of normal protein function through protein truncation. Loss of function variants have been previously reported to be disease causing. For these reasons, this variant has been classified as Likely Pathogenic.

NM_000540.3(RYR1):c.2065G>T (p.Glu689Ter)

Gene: RYR1 (ryanodine receptor 1; plus strand). Cytogenetic location: 19q13.2.
Variant type: single nucleotide variant.
Coding change: c.2065G>T on transcript NM_000540.3 (MANE Select); coding-DNA position 2065, G replaced by T.
Protein change: p.Glu689Ter; replaces glutamic acid 689 with a stop codon.
Molecular consequence: nonsense.
Genome position (GRCh38, 1-based): chr19:38,458,190, G>T. VCF-style: chr19-38458190-G-T. GRCh37 (hg19) VCF-style: chr19-38948830-G-T.
Other names: c.2065G>T, p.Glu689Ter (NM_001042723.2); short protein forms E689*.
Identifiers: ClinVar variation 3341464 (VCV003341464.1).
Genomic context (GRCh38, chr19:38,458,190, plus strand): 5'-GAGGTGACTCCATTTCTGACAGCTCAGGCCACCCACTTGCGGGTGGGCTGGGCCCTCACC[G>T]AGGGCTACACCCCCTACCCTGGGGCCGGCGAGGGCTGGGGCGGCAACGGGGTCGGCGATG-3'